The following is an entry in ClinVar:

ClinVar aggregate classification (germline): Uncertain significance. Review status: criteria provided, multiple submitters, no conflicts (2 of 4 stars). 2 submissions from 2 submitters: Uncertain significance (2). Last evaluated 2024-01-08.

Conditions:
ALG1-congenital disorder of glycosylation. Also called: CONGENITAL DISORDER OF GLYCOSYLATION, TYPE Ik; ALG1-CDG; CDG Ik. Identifiers: Orphanet 79327, MedGen C2931005, MONDO:0012052, OMIM 608540.

Submissions (2):

Fulgent Genetics
Classification: Uncertain significance for ALG1-congenital disorder of glycosylation. Last evaluated: 2024-01-08. Review status: criteria provided, single submitter. Criteria: ACMG Guidelines, 2015. Collection method: clinical testing. Allele origin: germline.

Labcorp Genetics (formerly Invitae), Labcorp
Classification: Uncertain significance for ALG1-congenital disorder of glycosylation. Last evaluated: 2022-09-27. Review status: criteria provided, single submitter. Criteria: Invitae Variant Classification Sherloc (09022015). Collection method: clinical testing. Allele origin: germline.
Comment: In summary, the available evidence is currently insufficient to determine the role of this variant in disease. Therefore, it has been classified as a Variant of Uncertain Significance. Advanced modeling of protein sequence and biophysical properties (such as structural, functional, and spatial information, amino acid conservation, physicochemical variation, residue mobility, and thermodynamic stability) performed at Invitae indicates that this missense variant is expected to disrupt ALG1 protein function. ClinVar contains an entry for this variant (Variation ID: 1391017). This variant has not been reported in the literature in individuals affected with ALG1-related conditions. This variant is not present in population databases (gnomAD no frequency). This sequence change replaces leucine, which is neutral and non-polar, with proline, which is neutral and non-polar, at codon 40 of the ALG1 protein (p.Leu40Pro).

NM_019109.5(ALG1):c.119T>C (p.Leu40Pro)

Genes: ALG1 (ALG1 chitobiosyldiphosphodolichol beta-mannosyltransferase; plus strand), LOC130058384 (ATAC-STARR-seq lymphoblastoid active region 10349; plus strand). Cytogenetic location: 16p13.3.
Variant type: single nucleotide variant.
Coding change: c.119T>C on transcript NM_019109.5 (MANE Select); coding-DNA position 119, T replaced by C.
Protein change: p.Leu40Pro; replaces leucine 40 with proline.
Molecular consequence: missense variant.
Genome position (GRCh38, 1-based): chr16:5,071,968, T>C. VCF-style: chr16-5071968-T-C. GRCh37 (hg19) VCF-style: chr16-5121969-T-C.
Other names: short protein forms L40P.
Identifiers: ClinVar variation 1391017 (VCV001391017.7), dbSNP rs2142698518, ClinGen allele CA394678598.